The following is an entry in ClinVar:

NM_000540.3(RYR1):c.2090_2116del (p.Ala697_Gly705del)

Gene: RYR1 (ryanodine receptor 1; plus strand). Cytogenetic location: 19q13.2.
Variant type: Deletion.
Coding change: c.2090_2116del on transcript NM_000540.3 (MANE Select); coding-DNA positions 2090 to 2116, 27 bases deleted (CCGGCGAGGGCTGGGGCGGCAACGGGG).
Protein change: p.Ala697_Gly705del.
Molecular consequence: inframe deletion. On other transcripts: inframe indel (1).
Genome position (GRCh38, 1-based): chr19:38,458,215-38,458,241, CCGGCGAGGGCTGGGGCGGCAACGGGG deleted; deleting any 27 consecutive bases within chr19:38,458,211-38,458,241 gives the same sequence; the c. name uses the placement nearest the transcript's 3' end. VCF-style (leftmost placement, unchanged base first): chr19-38458210-TGGGGCCGGCGAGGGCTGGGGCGGCAAC-T. GRCh37 (hg19) VCF-style: chr19-38948850-TGGGGCCGGCGAGGGCTGGGGCGGCAAC-T.
Other names: c.2090_2116del27, p.Ala697_Gly705del (NM_000540.2); c.2090_2116del, p.Ala697_Gly705del (NM_001042723.2).
Identifiers: ClinVar variation 3781307 (VCV003781307.2).
Genomic context (GRCh38, chr19:38,458,210, plus strand): 5'-AGCTCAGGCCACCCACTTGCGGGTGGGCTGGGCCCTCACCGAGGGCTACACCCCCTACCC[TGGGGCCGGCGAGGGCTGGGGCGGCAAC>T]GGGGTCGGCGATGACCTCTATTCCTACGGCTTTGATGGACTGCATCTCTGGACAGGTACC-3'

ClinVar aggregate classification (germline): Likely pathogenic (1 of 4 stars; one submission).

Submission:

GeneDx
Classification: Likely pathogenic. Last evaluated: 2026-08-04. Review status: criteria provided, single submitter. Criteria: GeneDx Variant Classification Process June 2021. Collection method: clinical testing. Allele origin: germline.
Comment: Not observed at significant frequency in large population cohorts (gnomAD); In-frame deletion of 9 amino acid(s) in a non-repeat region; In silico analysis supports a deleterious effect on protein structure/function; Has not been previously published as pathogenic or benign to our knowledge